The following is an entry in ClinVar:

ClinVar aggregate classification (germline): Uncertain significance (1 of 4 stars; one submission).

Conditions:
Kabuki syndrome. Also called: Kabuki make-up syndrome; NIIKAWA-KUROKI SYNDROME. Identifiers: Orphanet 2322, MedGen C0796004, MONDO:0016512.

Allele frequency attached by ClinVar (database versions not stated): gnomAD exomes below 0.00001.
gnomAD v4.1: 1 of 1,612,756 alleles (0.000062%); highest among the groups gnomAD compares: Non-Finnish European, 0.000085%; no homozygotes.

Submission:

Labcorp Genetics (formerly Invitae), Labcorp
Classification: Uncertain significance for Kabuki syndrome. Last evaluated: 2021-11-23. Review status: criteria provided, single submitter. Criteria: Invitae Variant Classification Sherloc (09022015). Collection method: clinical testing. Allele origin: germline.
Comment: In summary, the available evidence is currently insufficient to determine the role of this variant in disease. Therefore, it has been classified as a Variant of Uncertain Significance. Advanced modeling of protein sequence and biophysical properties (such as structural, functional, and spatial information, amino acid conservation, physicochemical variation, residue mobility, and thermodynamic stability) performed at Invitae indicates that this missense variant is not expected to disrupt KMT2D protein function. This variant has not been reported in the literature in individuals affected with KMT2D-related conditions. This variant is not present in population databases (gnomAD no frequency). This sequence change replaces glutamine, which is neutral and polar, with histidine, which is basic and polar, at codon 5195 of the KMT2D protein (p.Gln5195His).

NM_003482.4(KMT2D):c.15585G>C (p.Gln5195His)

Gene: KMT2D (lysine methyltransferase 2D; minus strand). Cytogenetic location: 12q13.12.
Variant type: single nucleotide variant.
Coding change: c.15585G>C on transcript NM_003482.4 (MANE Select); coding-DNA position 15585, G replaced by C.
Protein change: p.Gln5195His; replaces glutamine 5195 with histidine.
Molecular consequence: missense variant.
Genome position (GRCh38, 1-based): chr12:49,026,381, C>G on the plus strand (G>C on the coding strand, the complement: KMT2D is on the minus strand). VCF-style: chr12-49026381-C-G. GRCh37 (hg19) VCF-style: chr12-49420164-C-G.
Other names: short protein forms Q5195H.
Identifiers: ClinVar variation 1474004 (VCV001474004.6), dbSNP rs2137715754, ClinGen allele CA384686615.